The following is an entry in ClinVar:

NM_001673.5(ASNS):c.1477-3C>T

Genes: ASNS (asparagine synthetase (glutamine-hydrolyzing); minus strand), CZ1P-ASNS (CZ1P-ASNS readthrough; minus strand). Cytogenetic location: 7q21.3.
Variant type: single nucleotide variant.
Coding change: c.1477-3C>T on transcript NM_001673.5 (MANE Select); 3 bases into the intron before coding-DNA position 1477, C replaced by T.
Molecular consequence: intron variant.
Genome position (GRCh38, 1-based): chr7:97,852,471, G>A on the plus strand (C>T on the coding strand, the complement: ASNS is on the minus strand). VCF-style: chr7-97852471-G-A. GRCh37 (hg19) VCF-style: chr7-97481783-G-A.
Other names: c.1477-3C>T (NM_001352496.2, NM_183356.4, NM_133436.3); c.1228-3C>T (NM_001178076.2, NM_001178077.1); c.1414-3C>T (NM_001178075.2).
Identifiers: ClinVar variation 1447814 (VCV001447814.4), dbSNP rs779451673, ClinGen allele CA4354489.

ClinVar aggregate classification (germline): Uncertain significance (1 of 4 stars; one submission).

Allele frequency attached by ClinVar (database versions not stated): gnomAD exomes below 0.00001 and 0.00001; ExAC 0.00003.
gnomAD v4.1: 4 of 1,614,002 alleles (0.00025%); highest among the groups gnomAD compares: Admixed American, 0.0067%; no homozygotes.

Submission:

Labcorp Genetics (formerly Invitae), Labcorp
Classification: Uncertain significance. Last evaluated: 2022-03-14. Review status: criteria provided, single submitter. Criteria: Invitae Variant Classification Sherloc (09022015). Collection method: clinical testing. Allele origin: germline.
Comment: This sequence change falls in intron 12 of the ASNS gene. It does not directly change the encoded amino acid sequence of the ASNS protein. It affects a nucleotide within the consensus splice site. This variant is present in population databases (rs779451673, gnomAD 0.009%). This variant has not been reported in the literature in individuals affected with ASNS-related conditions. Variants that disrupt the consensus splice site are a relatively common cause of aberrant splicing (PMID: 17576681, 9536098). Algorithms developed to predict the effect of sequence changes on RNA splicing suggest that this variant is not likely to affect RNA splicing. In summary, the available evidence is currently insufficient to determine the role of this variant in disease. Therefore, it has been classified as a Variant of Uncertain Significance.

Literature cited by the submitters: PubMed 17576681; PubMed 9536098.